The following is an entry in ClinVar:

NM_001206927.2(DNAH8):c.3289A>G (p.Ile1097Val)

Gene: DNAH8 (dynein axonemal heavy chain 8; plus strand). Cytogenetic location: 6p21.2.
Variant type: single nucleotide variant.
Coding change: c.3289A>G on transcript NM_001206927.2 (MANE Select); coding-DNA position 3289, A replaced by G.
Protein change: p.Ile1097Val; replaces isoleucine 1097 with valine.
Molecular consequence: missense variant.
Genome position (GRCh38, 1-based): chr6:38,814,085, A>G. VCF-style: chr6-38814085-A-G. GRCh37 (hg19) VCF-style: chr6-38781861-A-G.
Other names: c.2638A>G, p.Ile880Val (NM_001371.4); short protein forms I880V, I1097V.
Identifiers: ClinVar variation 966791 (VCV000966791.6), dbSNP rs147941001, ClinGen allele CA3788792.

ClinVar aggregate classification (germline): Uncertain significance. Review status: criteria provided, multiple submitters, no conflicts (2 of 4 stars). 2 submissions from 2 submitters: Uncertain significance (2). Last evaluated 2025-05-19.

Conditions:
Primary ciliary dyskinesia. Also called: Ciliary dyskinesia. Identifiers: Orphanet 244, MedGen C0008780, MONDO:0016575, HP:0012265.

Allele frequency attached by ClinVar (database versions not stated): ExAC 0.00005; gnomAD 0.00007; gnomAD exomes 0.00007 and 0.00010; ESP Exome Variant Server 0.00008; TOPMed 0.00008.
gnomAD v4.1: 118 of 1,593,294 alleles (0.0074%); highest among the groups gnomAD compares: Middle Eastern, 0.55%; 4 homozygotes.

Submissions (2):

Labcorp Genetics (formerly Invitae), Labcorp
Classification: Uncertain significance for Primary ciliary dyskinesia. Last evaluated: 2025-05-19. Review status: criteria provided, single submitter. Criteria: Invitae Variant Classification Sherloc (09022015). Collection method: clinical testing. Allele origin: germline.
Comment: This sequence change replaces isoleucine, which is neutral and non-polar, with valine, which is neutral and non-polar, at codon 1097 of the DNAH8 protein (p.Ile1097Val). This variant is present in population databases (rs147941001, gnomAD 0.1%). This variant has not been reported in the literature in individuals affected with DNAH8-related conditions. ClinVar contains an entry for this variant (Variation ID: 966791). Experimental studies and prediction algorithms are not available or were not evaluated, and the functional significance of this variant is currently unknown. In summary, the available evidence is currently insufficient to determine the role of this variant in disease. Therefore, it has been classified as a Variant of Uncertain Significance.

Breakthrough Genomics
Classification: Uncertain significance. Review status: criteria provided, single submitter. Criteria: ACMG Guidelines, 2015. Collection method: not provided. Allele origin: germline. Inheritance: Autosomal recessive inheritance. Affected: yes.